The following is an entry in ClinVar:

ClinVar aggregate classification (germline): Conflicting classifications of pathogenicity. Review status: criteria provided, conflicting classifications (1 of 4 stars). 2 submissions from 2 submitters: Uncertain significance (1); Benign (1). Last evaluated 2024-10-18.

Conditions:
Polydactyly of a triphalangeal thumb. Also called: Polydactyly, preaxial type II; POLYDACTYLY OF TRIPHALANGEAL THUMB; TRIPHALANGEAL THUMB-POLYDACTYLY SYNDROME. Identifiers: Orphanet 2439, Orphanet 2950, Orphanet 93336, MedGen C1868114, MONDO:0008270, OMIM 174500.

Allele frequency attached by ClinVar (database versions not stated): gnomAD 0.00022; TOPMed 0.00019; gnomAD exomes 0.00021 and 0.00018; ESP Exome Variant Server 0.00023; ExAC 0.00026.
gnomAD v4.1: 298 of 1,607,844 alleles (0.019%); highest among the groups gnomAD compares: Non-Finnish European, 0.023%; no homozygotes.

Submissions (2):

Labcorp Genetics (formerly Invitae), Labcorp
Classification: Uncertain significance. Last evaluated: 2024-10-18. Review status: criteria provided, single submitter. Criteria: Invitae Variant Classification Sherloc (09022015). Collection method: clinical testing. Allele origin: germline.
Comment: This sequence change replaces glutamine, which is neutral and polar, with proline, which is neutral and non-polar, at codon 222 of the LMBR1 protein (p.Gln222Pro). This variant is present in population databases (rs201194692, gnomAD 0.04%). This variant has not been reported in the literature in individuals affected with LMBR1-related conditions. ClinVar contains an entry for this variant (Variation ID: 359428). Invitae Evidence Modeling of protein sequence and biophysical properties (such as structural, functional, and spatial information, amino acid conservation, physicochemical variation, residue mobility, and thermodynamic stability) indicates that this missense variant is not expected to disrupt LMBR1 protein function with a negative predictive value of 80%. In summary, the available evidence is currently insufficient to determine the role of this variant in disease. Therefore, it has been classified as a Variant of Uncertain Significance.

Illumina Laboratory Services, Illumina
Classification: Benign for Polydactyly of a triphalangeal thumb. Last evaluated: 2018-01-13. Review status: criteria provided, single submitter. Criteria: ICSL Variant Classification Criteria 13 December 2019. Collection method: clinical testing. Allele origin: germline.
Comment: This variant was observed in the ICSL laboratory as part of a predisposition screen in an ostensibly healthy population. It had not been previously curated by ICSL or reported in the Human Gene Mutation Database (HGMD: prior to June 1st, 2018), and was therefore a candidate for classification through an automated scoring system. Utilizing variant allele frequency, disease prevalence and penetrance estimates, and inheritance mode, an automated score was calculated to assess if this variant is too frequent to cause the disease. Based on the score and internal cut-off values, a variant classified as benign is not then subjected to further curation. The score for this variant resulted in a classification of benign for this disease.

NM_022458.4(LMBR1):c.665A>C (p.Gln222Pro)

Gene: LMBR1 (limb development membrane protein 1; minus strand). Cytogenetic location: 7q36.3.
Variant type: single nucleotide variant.
Coding change: c.665A>C on transcript NM_022458.4 (MANE Select); coding-DNA position 665, A replaced by C.
Protein change: p.Gln222Pro; replaces glutamine 222 with proline.
Molecular consequence: missense variant. On other transcripts: non-coding transcript variant (2).
Genome position (GRCh38, 1-based): chr7:156,762,153, T>G on the plus strand (A>C on the coding strand, the complement: LMBR1 is on the minus strand). VCF-style: chr7-156762153-T-G. GRCh37 (hg19) VCF-style: chr7-156554847-T-G.
Other names: c.209A>C, p.Gln70Pro (NM_001350956.2, NM_001350958.2, NM_001350955.2 and 1 more transcripts); c.296A>C, p.Gln99Pro (NM_001350957.2, NM_001363411.2); c.665A>C, p.Gln222Pro (NM_001350953.2, NM_001363409.2, NM_001363410.2); c.386A>C, p.Gln129Pro (NM_001350954.2); c.602A>C, p.Gln201Pro (NM_001363412.2); short protein forms Q222P, Q70P, Q129P, Q201P, Q99P.
Identifiers: ClinVar variation 359428 (VCV000359428.10), dbSNP rs201194692, ClinGen allele CA4588040.